The following is an entry in ClinVar:

ClinVar aggregate classification (germline): Conflicting classifications of pathogenicity. Review status: criteria provided, conflicting classifications (1 of 4 stars). 2 submissions from 2 submitters: Uncertain significance (1); Likely benign (1). Last evaluated 2023-12-05.

Conditions:
Hereditary cancer-predisposing syndrome. Also called: Hereditary neoplastic syndrome; Tumor predisposition; Hereditary Cancer Syndrome; Neoplastic Syndromes, Hereditary. Identifiers: Orphanet 140162, MedGen C0027672, MeSH D009386, MONDO:0015356.

Allele frequency attached by ClinVar (database versions not stated): gnomAD exomes below 0.00001.

Submissions (2):

Color Diagnostics, LLC DBA Color Health
Classification: Uncertain significance for Hereditary cancer-predisposing syndrome. Last evaluated: 2023-12-05. Review status: criteria provided, single submitter. Criteria: ACMG Guidelines, 2015. Collection method: clinical testing. Allele origin: germline.
Comment: This missense variant replaces leucine with proline at codon 383 of the PALB2 protein. Computational prediction suggests that this variant may not impact protein structure and function (internally defined REVEL score threshold <= 0.5, PMID: 27666373). To our knowledge, functional studies have not been reported for this variant. This variant has not been reported in individuals affected with PALB2-related disorders in the literature. This variant has not been identified in the general population by the Genome Aggregation Database (gnomAD). The available evidence is insufficient to determine the role of this variant in disease conclusively. Therefore, this variant is classified as a Variant of Uncertain Significance.

Ambry Genetics
Classification: Likely benign for Hereditary cancer-predisposing syndrome. Last evaluated: 2023-07-12. Review status: criteria provided, single submitter. Criteria: Ambry Variant Classification Scheme 2023. Collection method: clinical testing. Allele origin: germline.

NM_024675.4(PALB2):c.1148T>C (p.Leu383Pro)

Gene: PALB2 (partner and localizer of BRCA2; minus strand). Cytogenetic location: 16p12.2.
Variant type: single nucleotide variant.
Coding change: c.1148T>C on transcript NM_024675.4 (MANE Select); coding-DNA position 1148, T replaced by C.
Protein change: p.Leu383Pro; replaces leucine 383 with proline.
Molecular consequence: missense variant.
Genome position (GRCh38, 1-based): chr16:23,635,398, A>G on the plus strand (T>C on the coding strand, the complement: PALB2 is on the minus strand). VCF-style: chr16-23635398-A-G. GRCh37 (hg19) VCF-style: chr16-23646719-A-G.
Other names: short protein forms L383P.
Identifiers: ClinVar variation 492150 (VCV000492150.7), dbSNP rs1555461432, ClinGen allele CA395133557.